The following is an entry in ClinVar:

NM_020843.4(SCAPER):c.2836G>A (p.Glu946Lys)

Gene: SCAPER (S-phase cyclin A associated protein in the ER; minus strand). Cytogenetic location: 15q24.3.
Variant type: single nucleotide variant.
Coding change: c.2836G>A on transcript NM_020843.4 (MANE Select); coding-DNA position 2836, G replaced by A.
Protein change: p.Glu946Lys; replaces glutamic acid 946 with lysine.
Molecular consequence: missense variant. On other transcripts: non-coding transcript variant (1).
Genome position (GRCh38, 1-based): chr15:76,574,160, C>T on the plus strand (G>A on the coding strand, the complement: SCAPER is on the minus strand). VCF-style: chr15-76574160-C-T. GRCh37 (hg19) VCF-style: chr15-76866501-C-T.
Other names: c.2098G>A, p.Glu700Lys (NM_001145923.2); c.2854G>A, p.Glu952Lys (NM_001353009.2); c.2434G>A, p.Glu812Lys (NM_001353010.2, NM_001353012.2); c.2452G>A, p.Glu818Lys (NM_001353011.2); short protein forms E812K, E952K, E700K, E818K, E946K.
Identifiers: ClinVar variation 5002540 (VCV005002540.1).

ClinVar aggregate classification (germline): Uncertain significance (1 of 4 stars; one submission).

Conditions:
SCAPER-related disorder. Also called: SCAPER-related condition.

gnomAD v4.1: 10 of 1,600,476 alleles (0.00062%); highest among the groups gnomAD compares: African/African-American, 0.0027%; no homozygotes.

Submission:

PreventionGenetics, part of Exact Sciences
Classification: Uncertain significance for SCAPER-related condition. Last evaluated: 2026-09-10. Review status: criteria provided, single submitter. Criteria: ACMG Guidelines, 2015. Collection method: clinical testing. Allele origin: germline.
Comment: The SCAPER c.2854G>A variant is predicted to result in the amino acid substitution p.Glu952Lys. To our knowledge, this variant has not been reported in the literature. This variant is reported in 0.0070% of alleles in individuals of African descent in gnomAD. At this time, the clinical significance of this variant is uncertain due to the absence of conclusive functional and genetic evidence.